The following is an entry in ClinVar:

NM_000038.6(APC):c.1743+1378T>A

Gene: APC (APC regulator of WNT signaling pathway; plus strand). Cytogenetic location: 5q22.2.
Variant type: single nucleotide variant.
Coding change: c.1743+1378T>A on transcript NM_000038.6 (MANE Select); 1378 bases into the intron after coding-DNA position 1743, T replaced by A.
Molecular consequence: intron variant.
Genome position (GRCh38, 1-based): chr5:112,830,350, T>A. VCF-style: chr5-112830350-T-A. GRCh37 (hg19) VCF-style: chr5-112166047-T-A.
Other names: c.1743+1378T>A (NM_001354895.2, NM_001127510.3); c.1773+1378T>A (NM_001354897.2); c.1470+1378T>A (NM_001354902.2); c.1689+1378T>A (NM_001127511.3); c.1668+1378T>A (NM_001354898.2); c.1365+1378T>A (NM_001354904.2); c.894+1378T>A (NM_001354906.2); c.1797+1378T>A (NM_001354896.2); and 5 more.
Identifiers: ClinVar variation 83172 (VCV000083172.2), dbSNP rs67111599, ClinGen allele CA005512.

ClinVar aggregate classification (germline): other (0 of 4 stars; one submission).

Conditions:
Familial colorectal cancer. Identifiers: MedGen CN280943, MONDO:0023113. Disease mechanism: loss of function.

Submission:

Systems Biology Platform Zhejiang California International NanoSystems Institute
Classification: other for Familial colorectal cancer. Review status: no assertion criteria provided. Collection method: not provided. Allele origin: unknown.
ClinVar note: Converted during submission from cancer to other.